The following is an entry in ClinVar:

NM_002107.7(H3-3A):c.271G>C (p.Gly91Arg)

Gene: H3-3A (H3.3 histone A; plus strand). Cytogenetic location: 1q42.12.
Variant type: single nucleotide variant.
Coding change: c.271G>C on transcript NM_002107.7 (MANE Select); coding-DNA position 271, G replaced by C.
Protein change: p.Gly91Arg; replaces glycine 91 with arginine.
Molecular consequence: missense variant.
Genome position (GRCh38, 1-based): chr1:226,065,798, G>C. VCF-style: chr1-226065798-G-C. GRCh37 (hg19) VCF-style: chr1-226253499-G-C.
Other names: H3F3A, GLY91ARG; c.271G>C, p.Gly91Arg (NM_001379043.1, NM_001379045.1, NM_001379046.1 and 1 more transcripts); short protein forms G91R.
Identifiers: ClinVar variation 1183979 (VCV001183979.5), dbSNP rs2102737050, ClinGen allele CA345017721.

ClinVar aggregate classification (germline): Uncertain significance. Review status: criteria provided, single submitter (1 of 4 stars). 3 submissions from 3 submitters: Uncertain significance (1). 2 of the submissions do not count toward it. Last evaluated 2023-04-03.

Conditions:
Bryant-Li-Bhoj neurodevelopmental syndrome 1 (BRYLIB1). Identifiers: MedGen C5676905, MONDO:0030606, OMIM 619720.
Intellectual disability. Also called: Intellectual functioning disability; intellectual disabilities; Intellectual developmental disorder. Identifiers: MedGen C3714756, MeSH D008607, MONDO:0001071, HP:0001249.
Global developmental delay (DD). Also called: Cognitive delay. Identifiers: MedGen C0557874, HP:0001263. Disease mechanism: loss of function.
Brain imaging abnormality. Identifiers: MedGen C2711610, HP:0410263.
Delayed speech and language development. Also called: Language delay. Identifiers: MedGen C0454644, HP:0000750.
Short stature. Identifiers: MedGen C0349588, HP:0004322.

Submissions (3):

Institute of Human Genetics, University of Leipzig Medical Center
Classification: Uncertain significance for Bryant-Li-Bhoj neurodevelopmental syndrome 1. Last evaluated: 2023-04-03. Review status: criteria provided, single submitter. Criteria: ACMG Guidelines, 2015. Collection method: clinical testing. Allele origin: unknown. Inheritance: Autosomal dominant inheritance. Affected: yes.
Comment: Criteria applied: PS4_MOD,PM2_SUP,PP2

OMIM
Classification: Pathogenic for BRYANT-LI-BHOJ NEURODEVELOPMENTAL SYNDROME 1. Last evaluated: 2022-02-01. Review status: no assertion criteria provided. Collection method: literature only. Allele origin: germline. Not counted in ClinVar's aggregate classification.

Baylor Genetics
Classification: Likely pathogenic for Global developmental delay; Delayed speech and language development; Intellectual disability; Short stature; Brain imaging abnormality. Last evaluated: 2021-07-15. Review status: no assertion criteria provided. Collection method: research. Allele origin: de novo. Affected: yes. Observed: 1 variant allele. Not counted in ClinVar's aggregate classification.

Literature cited by the submitters: PubMed 33268356 (cited by OMIM and Baylor Genetics); PubMed 34876591 (cited by OMIM).